The following is an entry in ClinVar:

ClinVar aggregate classification (germline): Uncertain significance (1 of 4 stars; one submission).

Conditions:
Woodhouse-Sakati syndrome. Also called: Hypogonadism, Alopecia, Diabetes Mellitus, Mental Retardation, and Extrapyramidal Syndrome; Hypogonadism, diabetes mellitus, alopecia, mental retardation and electrocardiographic abnormalities; EXTRAPYRAMIDAL DISORDER, PROGRESSIVE, WITH PRIMARY HYPOGONADISM, MENTAL RETARDATION, AND ALOPECIA. Identifiers: Orphanet 3464, MedGen C0342286, MONDO:0009419, OMIM 241080.

Submission:

Labcorp Genetics (formerly Invitae), Labcorp
Classification: Uncertain significance for Woodhouse-Sakati syndrome. Last evaluated: 2023-09-13. Review status: criteria provided, single submitter. Criteria: Invitae Variant Classification Sherloc (09022015). Collection method: clinical testing. Allele origin: germline.
Comment: In summary, the available evidence is currently insufficient to determine the role of this variant in disease. Therefore, it has been classified as a Variant of Uncertain Significance. Advanced modeling of protein sequence and biophysical properties (such as structural, functional, and spatial information, amino acid conservation, physicochemical variation, residue mobility, and thermodynamic stability) performed at Invitae indicates that this missense variant is not expected to disrupt DCAF17 protein function. ClinVar contains an entry for this variant (Variation ID: 1407921). This variant has not been reported in the literature in individuals affected with DCAF17-related conditions. This variant is not present in population databases (gnomAD no frequency). This sequence change replaces glycine, which is neutral and non-polar, with alanine, which is neutral and non-polar, at codon 34 of the DCAF17 protein (p.Gly34Ala).

NM_025000.4(DCAF17):c.101G>C (p.Gly34Ala)

Genes: DCAF17 (DDB1 and CUL4 associated factor 17; plus strand), METTL8 (methyltransferase 8, tRNA N3-cytidine; minus strand). Cytogenetic location: 2q31.1.
Variant type: single nucleotide variant.
Coding change: c.101G>C on transcript NM_025000.4 (MANE Select); coding-DNA position 101, G replaced by C.
Protein change: p.Gly34Ala; replaces glycine 34 with alanine.
Molecular consequence: missense variant. On other transcripts: 5 prime UTR variant (1), non-coding transcript variant (2).
Genome position (GRCh38, 1-based): chr2:171,434,678, G>C. VCF-style: chr2-171434678-G-C. GRCh37 (hg19) VCF-style: chr2-172291188-G-C.
Other names: c.4C>G, p.Pro2Ala (NM_001321157.2, NM_001321158.2, NM_001321161.2); c.-17C>G (NM_024770.5); c.101G>C, p.Gly34Ala (NM_001164821.2); short protein forms G34A, P2A.
Identifiers: ClinVar variation 1407921 (VCV001407921.6), dbSNP rs1414634112, ClinGen allele CA349598051.
Genomic context (GRCh38, chr2:171,434,678, plus strand): 5'-GTCGCCGGGCGCTGGGCTGCTTCTCGCGCGACGCAGGCGTGGTGCAGAGGACCAACCTGG[G>C]CATCCTGCGGGCGCTGGTGTGCCAGGTGACCGCCAGCCGGCCGGGGCGGGACGGAGGGCC-3'
Protein context (NP_079276.2, residues 24-44): DAGVVQRTNL[Gly34Ala]ILRALVCQES